The following is an entry in ClinVar:

ClinVar aggregate classification (germline): Uncertain significance (1 of 4 stars; one submission).

gnomAD v4.1: 5 of 1,613,954 alleles (0.00031%); highest among the groups gnomAD compares: Non-Finnish European, 0.00042%; no homozygotes.

Submission:

Labcorp Genetics (formerly Invitae), Labcorp
Classification: Uncertain significance. Last evaluated: 2024-03-07. Review status: criteria provided, single submitter. Criteria: Invitae Variant Classification Sherloc (09022015). Collection method: clinical testing. Allele origin: germline.
Comment: This sequence change replaces leucine, which is neutral and non-polar, with valine, which is neutral and non-polar, at codon 2687 of the VCAN protein (p.Leu2687Val). This variant is not present in population databases (gnomAD no frequency). This variant has not been reported in the literature in individuals affected with VCAN-related conditions. An algorithm developed to predict the effect of missense changes on protein structure and function (PolyPhen-2) suggests that this variant is likely to be disruptive. In summary, the available evidence is currently insufficient to determine the role of this variant in disease. Therefore, it has been classified as a Variant of Uncertain Significance.

NM_004385.5(VCAN):c.8059C>G (p.Leu2687Val)

Genes: VCAN (versican; plus strand), VCAN-AS1 (VCAN antisense RNA 1; minus strand). Cytogenetic location: 5q14.3.
Variant type: single nucleotide variant.
Coding change: c.8059C>G on transcript NM_004385.5 (MANE Select); coding-DNA position 8059, C replaced by G.
Protein change: p.Leu2687Val; replaces leucine 2687 with valine.
Molecular consequence: missense variant. On other transcripts: intron variant (2).
Genome position (GRCh38, 1-based): chr5:83,541,062, C>G. VCF-style: chr5-83541062-C-G. GRCh37 (hg19) VCF-style: chr5-82836881-C-G.
Other names: c.5098C>G, p.Leu1700Val (NM_001164097.2); c.4004-4475C>G (NM_001164098.2); c.1043-4475C>G (NM_001126336.3); short protein forms L2687V, L1700V.
Identifiers: ClinVar variation 3676037 (VCV003676037.2).